The following is an entry in ClinVar:

ClinVar aggregate classification (germline): Uncertain significance. Review status: criteria provided, multiple submitters, no conflicts (2 of 4 stars). 3 submissions from 3 submitters: Uncertain significance (3). Last evaluated 2022-06-13.

Conditions:
Maple syrup urine disease (MSUD). Identifiers: Orphanet 511, MedGen C0024776, MeSH D008375, MONDO:0009563. Disease mechanism: loss of function.

Allele frequency attached by ClinVar (database versions not stated): gnomAD exomes below 0.00001; ExAC 0.00001.

Submissions (3):

Labcorp Genetics (formerly Invitae), Labcorp
Classification: Uncertain significance for Maple syrup urine disease. Last evaluated: 2022-06-13. Review status: criteria provided, single submitter. Criteria: Invitae Variant Classification Sherloc (09022015). Collection method: clinical testing. Allele origin: germline.
Comment: This sequence change replaces methionine, which is neutral and non-polar, with isoleucine, which is neutral and non-polar, at codon 165 of the BCKDHA protein (p.Met165Ile). This variant is present in population databases (rs754327984, gnomAD no frequency). This variant has not been reported in the literature in individuals affected with BCKDHA-related conditions. Advanced modeling of protein sequence and biophysical properties (such as structural, functional, and spatial information, amino acid conservation, physicochemical variation, residue mobility, and thermodynamic stability) performed at Invitae indicates that this missense variant is not expected to disrupt BCKDHA protein function. In summary, the available evidence is currently insufficient to determine the role of this variant in disease. Therefore, it has been classified as a Variant of Uncertain Significance.

Fulgent Genetics
Classification: Uncertain significance for Maple syrup urine disease type 1A. Last evaluated: 2021-07-23. Review status: criteria provided, single submitter. Criteria: ACMG Guidelines, 2015. Collection method: clinical testing. Allele origin: unknown.

Breakthrough Genomics
Classification: Uncertain significance. Review status: criteria provided, single submitter. Criteria: ACMG Guidelines, 2015. Collection method: not provided. Allele origin: germline. Inheritance: Autosomal dominant inheritance. Affected: yes.

NM_000709.4(BCKDHA):c.495G>A (p.Met165Ile)

Gene: BCKDHA (branched chain keto acid dehydrogenase E1 subunit alpha; plus strand). Cytogenetic location: 19q13.2.
Variant type: single nucleotide variant.
Coding change: c.495G>A on transcript NM_000709.4 (MANE Select); coding-DNA position 495, G replaced by A.
Protein change: p.Met165Ile; replaces methionine 165 with isoleucine.
Molecular consequence: missense variant.
Genome position (GRCh38, 1-based): chr19:41,419,145, G>A. VCF-style: chr19-41419145-G-A. GRCh37 (hg19) VCF-style: chr19-41925050-G-A.
Other names: c.495G>A, p.Met165Ile (NM_001164783.2); short protein forms M165I.
Identifiers: ClinVar variation 1499436 (VCV001499436.5), dbSNP rs754327984, ClinGen allele CA9461186.